The following is an entry in ClinVar:

NM_000138.5(FBN1):c.3786G>T (p.Arg1262Ser)

Gene: FBN1 (fibrillin 1; minus strand). Cytogenetic location: 15q21.1.
Variant type: single nucleotide variant.
Coding change: c.3786G>T on transcript NM_000138.5 (MANE Select); coding-DNA position 3786, G replaced by T.
Protein change: p.Arg1262Ser; replaces arginine 1262 with serine.
Molecular consequence: missense variant.
Genome position (GRCh38, 1-based): chr15:48,483,870, C>A on the plus strand (G>T on the coding strand, the complement: FBN1 is on the minus strand). VCF-style: chr15-48483870-C-A. GRCh37 (hg19) VCF-style: chr15-48776067-C-A.
Other names: short protein forms R1262S.
Identifiers: ClinVar variation 519794 (VCV000519794.14), dbSNP rs1555398280, ClinGen allele CA392323843.
Genomic context (GRCh38, chr15:48,483,870, plus strand): 5'-TTGCTTACCTACACAAGTCTTCATGTCTTCAGATGCCATGAATCCATCATAACACAAGCA[C>A]CTGTACTCTCCAGGGATATTTGTGCACTGACCACCATCACAGATATTGGGATTATCTTCA-3'
Protein context (NP_000129.3, residues 1252-1272): GQCTNIPGEY[Arg1262Ser]CLCYDGFMAS

ClinVar aggregate classification (germline): Uncertain significance. Review status: criteria provided, multiple submitters, no conflicts (2 of 4 stars). 5 submissions from 5 submitters: Uncertain significance (5). Last evaluated 2024-04-16.

Conditions:
MASS syndrome (OCTD). Also called: OVERLAP CONNECTIVE TISSUE DISEASE; MASS PHENOTYPE. Identifiers: MedGen C1858556, MONDO:0011431, OMIM 604308.
Progeroid and marfanoid aspect-lipodystrophy syndrome. Also called: MARFANOID-PROGEROID SYNDROME; MARFAN-PROGEROID-LIPODYSTROPHY SYNDROME; Marfan lipodystrophy syndrome; MARFANOID-PROGEROID-LIPODYSTROPHY SYNDROME. Identifiers: Orphanet 300382, MedGen C4310796, MONDO:0014831, OMIM 616914.
Ectopia lentis 1, isolated, autosomal dominant (ECTOL1). Identifiers: Orphanet 1885, MedGen C3541518, MONDO:0007514, OMIM 129600.
Weill-Marchesani syndrome 2, dominant. Also called: Weill-Marchesani Syndrome, Autosomal Dominant; FBN1-Related Weill-Marchesani Syndrome. Identifiers: Orphanet 2084, MedGen C1869115, MONDO:0012013, OMIM 608328.
Acromicric dysplasia (ACMICD). Also called: Acromicric skeletal dysplasia. Identifiers: Orphanet 969, MedGen C0265287, MONDO:0007055, OMIM 102370.
Geleophysic dysplasia 2 (GPHYSD2). Identifiers: Orphanet 2623, MedGen C3280054, MONDO:0013612, OMIM 614185.
Stiff skin syndrome (SSKS). Identifiers: Orphanet 2833, MedGen C1861456, MONDO:0008492, OMIM 184900.
Marfan syndrome (MFS). Also called: Marfan syndrome type 1; Marfan syndrome, classic; Marfan's syndrome; FBN1-Related Marfan Syndrome; MARFAN SYNDROME, TYPE I. Identifiers: Orphanet 284963, Orphanet 558, MedGen C0024796, MONDO:0007947, OMIM 154700.
Familial thoracic aortic aneurysm and aortic dissection (TAAD). Also called: Thoracic aortic aneurysms and dissections. Identifiers: Orphanet 91387, MedGen C4707243, MONDO:0019625.

Submissions (5):

All of Us Research Program, National Institutes of Health
Classification: Uncertain significance for Marfan syndrome. Last evaluated: 2024-04-16. Review status: criteria provided, single submitter. Criteria: ACMG Guidelines, 2015. Collection method: clinical testing. Allele origin: germline. Inheritance: Autosomal dominant inheritance. Observed: 1 variant allele, 1 heterozygote.
Comment: Variant of Uncertain Significance due to insufficient evidence: This missense variant replaces arginine with serine at codon 1262 of the FBN1 protein. Computational prediction tools and conservation analyses are inconclusive regarding the impact of this variant on the protein function. Computational splicing tools suggest that this variant may not impact RNA splicing. To our knowledge, functional assays have not been performed for this variant nor has this variant been reported in individuals affected with cardiovascular disorders in the literature. This variant has not been identified in the general population by the Genome Aggregation Database (gnomAD). Available evidence is insufficient to determine the role of this variant in disease conclusively.

This study involves interpretation of variants in research participants for the purpose of population health screening. Participant phenotype was not available at the time of variant classification. Additional details can be found in publication PMID: 35346344, PMCID: PMC8962531

Color Diagnostics, LLC DBA Color Health
Classification: Uncertain significance for Familial thoracic aortic aneurysm and aortic dissection. Last evaluated: 2023-12-04. Review status: criteria provided, single submitter. Criteria: ACMG Guidelines, 2015. Collection method: clinical testing. Allele origin: germline.
Comment: Variant of Uncertain Significance due to insufficient evidence: This missense variant replaces arginine with serine at codon 1262 of the FBN1 protein. Computational prediction tools and conservation analyses are inconclusive regarding the impact of this variant on the protein function. Computational splicing tools suggest that this variant may not impact RNA splicing. To our knowledge, functional assays have not been performed for this variant nor has this variant been reported in individuals affected with cardiovascular disorders in the literature. This variant has not been identified in the general population by the Genome Aggregation Database (gnomAD). Available evidence is insufficient to determine the role of this variant in disease conclusively.

Fulgent Genetics
Classification: Uncertain significance for Acromicric dysplasia; Ectopia lentis 1, isolated, autosomal dominant; Marfan syndrome; Stiff skin syndrome; MASS syndrome; Weill-Marchesani syndrome 2, dominant; Geleophysic dysplasia 2; Progeroid and marfanoid aspect-lipodystrophy syndrome. Last evaluated: 2021-12-05. Review status: criteria provided, single submitter. Criteria: ACMG Guidelines, 2015. Collection method: clinical testing. Allele origin: unknown.

GeneDx
Classification: Uncertain significance. Last evaluated: 2021-04-19. Review status: criteria provided, single submitter. Criteria: GeneDx Variant Classification Process June 2021. Collection method: clinical testing. Allele origin: germline. Affected: yes.
Comment: Has not been previously published as pathogenic or benign to our knowledge; Not observed in large population cohorts (Lek et al., 2016); In silico analysis supports that this missense variant has a deleterious effect on protein structure/function; Although located in a calcium-binding EGF-like domain of the FBN1 gene, it does not affect a cysteine residue within this domain; cysteine substitutions in the calcium-binding EGF-like domains represent the majority of pathogenic missense changes associated with FBN1-related disorders (Collod-Beroud et al., 2003); Reported in ClinVar as a variant of uncertain significance (ClinVar Variant ID# 519794; Landrum et al., 2016)

Ambry Genetics
Classification: Uncertain significance for Familial thoracic aortic aneurysm and aortic dissection. Last evaluated: 2018-10-29. Review status: criteria provided, single submitter. Criteria: Ambry Variant Classification Scheme 2023. Collection method: clinical testing. Allele origin: germline.
Comment: The p.R1262S variant (also known as c.3786G>T), located in coding exon 30 of the FBN1 gene, results from a G to T substitution at nucleotide position 3786. The arginine at codon 1262 is replaced by serine, an amino acid with dissimilar properties, and is located in the cbEGF-like #16 domain. This amino acid position is well conserved in available vertebrate species. In addition, the in silico prediction for this alteration is inconclusive. Since supporting evidence is limited at this time, the clinical significance of this alteration remains unclear.